The following is an entry in ClinVar:

Conditions:
Breast-ovarian cancer, familial, susceptibility to, 1 (BROVCA1). Also called: BRCA1 Hereditary Breast and Ovarian Cancer; OVARIAN CANCER, SUSCEPTIBILITY TO. Identifiers: Orphanet 145, MedGen C2676676, MONDO:0011450, OMIM 604370. Disease mechanism: loss of function.

Submission:

Brotman Baty Institute, University of Washington
No classification provided (evidence only). Condition: Breast-ovarian cancer, familial 1. Review status: no classification provided. Collection method: in vitro. Allele origin: not applicable. Functional consequence: functionally_normal.
ClinVar note: "not provided" was previously submitted as the classification for the variant. However, the classification appeared to be based only on an observation of functional data so it was converted to no classification on 2025-07-30.

NM_007294.4(BRCA1):c.15T>A (p.Ala5=)

Gene: BRCA1 (BRCA1 DNA repair associated; minus strand). Cytogenetic location: 17q21.31.
Variant type: single nucleotide variant.
Coding change: c.15T>A on transcript NM_007294.4 (MANE Select); coding-DNA position 15, T replaced by A.
Protein change: p.Ala5=; no amino-acid change (alanine 5 retained).
Molecular consequence: synonymous variant. On other transcripts: 5 prime UTR variant (136), intron variant (36).
Genome position (GRCh38, 1-based): chr17:43,124,082, A>T on the plus strand (T>A on the coding strand, the complement: BRCA1 is on the minus strand). VCF-style: chr17-43124082-A-T. GRCh37 (hg19) VCF-style: chr17-41276099-A-T.
Other names: c.15T>A, p.Ala5= (NM_001407678.1, NM_001407679.1, NM_001407680.1 and 193 more transcripts); c.-243T>A (NM_001407694.1, NM_001407724.1, NM_001407727.1 and 11 more transcripts); c.-247T>A (NM_001407695.1, NM_001408465.1); c.-388T>A (NM_001407696.1); c.-272T>A (NM_001407697.1, NM_001407846.1, NM_001407920.1); c.-73T>A (NM_001407698.1, NM_001407732.1, NM_001407736.1 and 23 more transcripts); c.-246T>A (NM_001407725.1, NM_001407730.1, NM_001407734.1 and 22 more transcripts); c.-192T>A (NM_001407726.1, NM_001407751.1); and 23 more.
Identifiers: ClinVar variation 868694 (VCV000868694.3), dbSNP rs1339036647, ClinGen allele CA500131489.